The following is an entry in ClinVar:

ClinVar aggregate classification (germline): Uncertain significance. Review status: criteria provided, multiple submitters, no conflicts (2 of 4 stars). 2 submissions from 2 submitters: Uncertain significance (2). Last evaluated 2025-09-15.

Conditions:
ZTTK syndrome (ZTTKS). Also called: Zhu-Tokita-Takenouchi-Kim Syndrome; ZTTK MULTIPLE CONGENITAL ANOMALIES-MENTAL RETARDATION SYNDROME. Identifiers: Orphanet 500150, MedGen C4310696, MONDO:0014936, OMIM 617140.

gnomAD v4.1: 3 of 1,613,942 alleles (0.00019%); highest among the groups gnomAD compares: South Asian, 0.0011%; no homozygotes.

Submissions (2):

Labcorp Genetics (formerly Invitae), Labcorp
Classification: Uncertain significance. Last evaluated: 2025-09-15. Review status: criteria provided, single submitter. Criteria: Invitae Variant Classification Sherloc (09022015). Collection method: clinical testing. Allele origin: germline.
Comment: This sequence change replaces arginine, which is basic and polar, with histidine, which is basic and polar, at codon 1039 of the SON protein (p.Arg1039His). This variant is not present in population databases (gnomAD no frequency). This variant has not been reported in the literature in individuals affected with SON-related conditions. An algorithm developed to predict the effect of missense changes on protein structure and function (PolyPhen-2) suggests that this variant is likely to be disruptive. In summary, the available evidence is currently insufficient to determine the role of this variant in disease. Therefore, it has been classified as a Variant of Uncertain Significance.

Revvity Omics, Revvity
Classification: Uncertain significance for ZTTK syndrome. Last evaluated: 2023-12-06. Review status: criteria provided, single submitter. Criteria: ACMG Guidelines, 2015. Collection method: clinical testing. Allele origin: germline.

NM_138927.4(SON):c.3116G>A (p.Arg1039His)

Gene: SON (SON DNA and RNA binding protein; plus strand). Cytogenetic location: 21q22.11.
Variant type: single nucleotide variant.
Coding change: c.3116G>A on transcript NM_138927.4 (MANE Select); coding-DNA position 3116, G replaced by A.
Protein change: p.Arg1039His; replaces arginine 1039 with histidine.
Molecular consequence: missense variant. On other transcripts: non-coding transcript variant (1), intron variant (1).
Genome position (GRCh38, 1-based): chr21:33,552,347, G>A. VCF-style: chr21-33552347-G-A. GRCh37 (hg19) VCF-style: chr21-34924653-G-A.
Other names: c.3116G>A, p.Arg1039His (NM_001291411.2, NM_032195.3); c.245-4809G>A (NM_001291412.3); short protein forms R1039H.
Identifiers: ClinVar variation 4080140 (VCV004080140.2).